The following is an entry in ClinVar:

NM_005045.4(RELN):c.7201G>A (p.Val2401Ile)

Gene: RELN (reelin; minus strand). Cytogenetic location: 7q22.1.
Variant type: single nucleotide variant.
Coding change: c.7201G>A on transcript NM_005045.4 (MANE Select); coding-DNA position 7201, G replaced by A.
Protein change: p.Val2401Ile; replaces valine 2401 with isoleucine.
Molecular consequence: missense variant.
Genome position (GRCh38, 1-based): chr7:103,535,464, C>T on the plus strand (G>A on the coding strand, the complement: RELN is on the minus strand). VCF-style: chr7-103535464-C-T. GRCh37 (hg19) VCF-style: chr7-103175911-C-T.
Other names: c.7201G>A, p.Val2401Ile (NM_173054.3); short protein forms V2401I.
Identifiers: ClinVar variation 3755391 (VCV003755391.2).

ClinVar aggregate classification (germline): Uncertain significance (1 of 4 stars; one submission).

Conditions:
Familial temporal lobe epilepsy 7. Identifiers: Orphanet 101046, MedGen C4225327, MONDO:0014639, OMIM 616436.
Norman-Roberts syndrome (LIS2). Also called: Lissencephaly 2 (Norman-Roberts type). Identifiers: Orphanet 89844, MedGen C0796089, MONDO:0009760, OMIM 257320.

gnomAD v4.1: 1 of 1,614,066 alleles (0.000062%); no homozygotes.

Submission:

Labcorp Genetics (formerly Invitae), Labcorp
Classification: Uncertain significance for Familial temporal lobe epilepsy 7; Norman-Roberts syndrome. Last evaluated: 2024-10-02. Review status: criteria provided, single submitter. Criteria: Invitae Variant Classification Sherloc (09022015). Collection method: clinical testing. Allele origin: germline.
Comment: This sequence change replaces valine, which is neutral and non-polar, with isoleucine, which is neutral and non-polar, at codon 2401 of the RELN protein (p.Val2401Ile). This variant is not present in population databases (gnomAD no frequency). This variant has not been reported in the literature in individuals affected with RELN-related conditions. Invitae Evidence Modeling of protein sequence and biophysical properties (such as structural, functional, and spatial information, amino acid conservation, physicochemical variation, residue mobility, and thermodynamic stability) indicates that this missense variant is not expected to disrupt RELN protein function with a negative predictive value of 80%. In summary, the available evidence is currently insufficient to determine the role of this variant in disease. Therefore, it has been classified as a Variant of Uncertain Significance.